The following is an entry in ClinVar:

NM_001046.3(SLC12A2):c.547A>T (p.Ser183Cys)

Gene: SLC12A2 (solute carrier family 12 member 2; plus strand). Cytogenetic location: 5q23.3.
Variant type: single nucleotide variant.
Coding change: c.547A>T on transcript NM_001046.3 (MANE Select); coding-DNA position 547, A replaced by T.
Protein change: p.Ser183Cys; replaces serine 183 with cysteine.
Molecular consequence: missense variant. On other transcripts: non-coding transcript variant (1).
Genome position (GRCh38, 1-based): chr5:128,084,501, A>T. VCF-style: chr5-128084501-A-T. GRCh37 (hg19) VCF-style: chr5-127420193-A-T.
Other names: c.547A>T, p.Ser183Cys (NM_001256461.2); short protein forms S183C.
Identifiers: ClinVar variation 4801540 (VCV004801540.1).
Genomic context (GRCh38, chr5:128,084,501, plus strand): 5'-GGAGTCGACGGGCCCAACGTGAGCTTCCAGAACGGCGGGGACACGGTGCTGAGCGAGGGC[A>T]GCAGCCTGCACTCCGGCGGCGGCGGCGGCAGTGGGCACCACCAGCACTACTATTATGATA-3'
Protein context (NP_001037.1, residues 173-193): NGGDTVLSEG[Ser183Cys]SLHSGGGGGS

ClinVar aggregate classification (germline): Uncertain significance (1 of 4 stars; one submission).

gnomAD v4.1: 3 of 1,611,438 alleles (0.00019%); highest among the groups gnomAD compares: Non-Finnish European, 0.00025%; no homozygotes.

Submission:

Labcorp Genetics (formerly Invitae), Labcorp
Classification: Uncertain significance. Last evaluated: 2025-06-15. Review status: criteria provided, single submitter. Criteria: Invitae Variant Classification Sherloc (09022015). Collection method: clinical testing. Allele origin: germline.
Comment: This sequence change replaces serine, which is neutral and polar, with cysteine, which is neutral and slightly polar, at codon 183 of the SLC12A2 protein (p.Ser183Cys). This variant is not present in population databases (gnomAD no frequency). This variant has not been reported in the literature in individuals affected with SLC12A2-related conditions. Invitae Evidence Modeling of protein sequence and biophysical properties (such as structural, functional, and spatial information, amino acid conservation, physicochemical variation, residue mobility, and thermodynamic stability) indicates that this missense variant is not expected to disrupt SLC12A2 protein function with a negative predictive value of 95%. In summary, the available evidence is currently insufficient to determine the role of this variant in disease. Therefore, it has been classified as a Variant of Uncertain Significance.